The following is an entry in ClinVar:

ClinVar aggregate classification (germline): Conflicting classifications of pathogenicity. Review status: criteria provided, conflicting classifications (1 of 4 stars). 2 submissions from 2 submitters: Pathogenic (1); Uncertain significance (1). Last evaluated 2018-04-10.

Conditions:
3-Methylglutaconic aciduria type 2 (BTHS). Also called: Barth syndrome; CARDIOSKELETAL MYOPATHY WITH NEUTROPENIA AND ABNORMAL MITOCHONDRIA. Identifiers: Orphanet 111, MedGen C0574083, MONDO:0010543, OMIM 302060.

Submissions (2):

Labcorp Genetics (formerly Invitae), Labcorp
Classification: Uncertain significance for 3-Methylglutaconic aciduria type 2. Last evaluated: 2018-04-10. Review status: criteria provided, single submitter. Criteria: Invitae Variant Classification Sherloc (09022015). Collection method: clinical testing. Allele origin: germline.
Comment: This variant has not been reported in the literature in individuals with TAZ-related disease. In summary, the available evidence is currently insufficient to determine the role of this variant in disease. Therefore, it has been classified as a Variant of Uncertain Significance. This sequence change results in a premature translational stop signal in the TAZ gene (p.Gln271*). While this is not anticipated to result in nonsense mediated decay, it is expected to disrupt the last 22 amino acids of the TAZ protein. This variant is not present in population databases (ExAC no frequency).

Rady Children's Institute for Genomic Medicine, Rady Children's Hospital San Diego
Classification: Pathogenic for BARTH SYNDROME. Last evaluated: 2018-04-05. Review status: criteria provided, single submitter. Criteria: ACMG Guidelines, 2015. Collection method: clinical testing. Allele origin: germline. Affected: yes. Observed: 1 variant allele.
Comment: This variant is predicted to result in a premature termination codon, leading to loss of protein abundance or activity. This particular variant has not been observed in affected individuals, but other null variants have been associated with Barth syndrome (MIM: 302060) (PMID: 23398819, 23100323). This variant is absent from ExAC and gnomAD population databases. Based on the combined evidence, the c.811C>T p.Gln271Ter variant is classified as pathogenic.

NM_000116.5(TAFAZZIN):c.811C>T (p.Gln271Ter)

Gene: TAFAZZIN (tafazzin, phospholipid-lysophospholipid transacylase; plus strand). Cytogenetic location: Xq28.
Variant type: single nucleotide variant.
Coding change: c.811C>T on transcript NM_000116.5 (MANE Select); coding-DNA position 811, C replaced by T.
Protein change: p.Gln271Ter; replaces glutamine 271 with a stop codon.
Molecular consequence: nonsense. On other transcripts: non-coding transcript variant (1).
Genome position (GRCh38, 1-based): chrX:154,420,936, C>T. VCF-style: chrX-154420936-C-T. GRCh37 (hg19) VCF-style: chrX-153649275-C-T.
Other names: c.823C>T, p.Gln275Ter (NM_001303465.2); c.721C>T, p.Gln241Ter (NM_181311.4); c.769C>T, p.Gln257Ter (NM_181312.4); c.679C>T, p.Gln227Ter (NM_181313.4); short protein forms Q241*, Q257*, Q271*, Q227*, Q275*.
Identifiers: ClinVar variation 692017 (VCV000692017.7), dbSNP rs1298362744, ClinGen allele CA415185684.